The following is an entry in ClinVar:

NM_000451.4(SHOX):c.314A>T (p.Lys105Met)

Genes: SHOX (SHOX homeobox; plus strand), LOC107652445 (meiotic recombination hotspot SHOX; plus strand). Cytogenetic location: Xp22.33.
Variant type: single nucleotide variant.
Coding change: c.314A>T on transcript NM_000451.4 (MANE Select); coding-DNA position 314, A replaced by T.
Protein change: p.Lys105Met; replaces lysine 105 with methionine.
Molecular consequence: missense variant.
Genome position (GRCh38, 1-based): chrX:634,654, A>T. VCF-style: chrX-634654-A-T. GRCh37 (hg19) VCF-style: chrX-595389-A-T.
Other names: c.314A>T, p.Lys105Met (NM_006883.2); short protein forms K105M.
Identifiers: ClinVar variation 4880861 (VCV004880861.2).
Genomic context (GRCh38, chrX:634,654, plus strand): 5'-CTGTGCCCTCCGCTCCCCACGCAGGGATTTATGAATGCAAAGAGAAGCGCGAGGACGTGA[A>T]GTCGGAGGACGAGGACGGGCAGACCAAGCTGAAACAGAGGCGCAGCCGCACCAACTTCAC-3'
Protein context (NP_000442.1, residues 95-115): YECKEKREDV[Lys105Met]SEDEDGQTKL

ClinVar aggregate classification (germline): Uncertain significance (1 of 4 stars; one submission).

Submission:

Dasa
Classification: Uncertain significance. Last evaluated: 2025-11-27. Review status: criteria provided, single submitter. Criteria: DASA Assertion Criteria. Collection method: clinical testing. Allele origin: germline.
Comment: NM_000451.4(SHOX):c.314A>T (p.Lys105Met) is a missense variant that results in the substitution of lysine with methionine. This variant is absent from population databases. The currently available literature and clinical evidence are not sufficient to establish a definitive association between this variant and the reported condition. Therefore, this variant is classified as a variant of uncertain significance.